The following is an entry in ClinVar:

NM_004082.5(DCTN1):c.593C>T (p.Thr198Met)

Gene: DCTN1 (dynactin subunit 1; minus strand). Cytogenetic location: 2p13.1.
Variant type: single nucleotide variant.
Coding change: c.593C>T on transcript NM_004082.5 (MANE Select); coding-DNA position 593, C replaced by T.
Protein change: p.Thr198Met; replaces threonine 198 with methionine.
Molecular consequence: missense variant. On other transcripts: non-coding transcript variant (1).
Genome position (GRCh38, 1-based): chr2:74,371,589, G>A on the plus strand (C>T on the coding strand, the complement: DCTN1 is on the minus strand). VCF-style: chr2-74371589-G-A. GRCh37 (hg19) VCF-style: chr2-74598716-G-A.
Other names: c.572C>T, p.Thr191Met (NM_001190837.2); c.542C>T, p.Thr181Met (NM_001378991.1); c.524C>T, p.Thr175Met (NM_001378992.1); c.191C>T, p.Thr64Met (NM_023019.4, NM_001135041.3); c.533C>T, p.Thr178Met (NM_001135040.3); c.482C>T, p.Thr161Met (NM_001190836.2); short protein forms T175M, T178M, T161M, T191M, T198M, T64M, T181M.
Identifiers: ClinVar variation 2946215 (VCV002946215.3), dbSNP rs768268418, ClinGen allele CA1722373.
Genomic context (GRCh38, chr2:74,371,589, plus strand): 5'-GGCCTTACCTTGGATGGGGAAGGAAGCGGGGGGACTGCTCCAGGAGAGGTGAGGACCGGC[G>A]TGGGGATGATGGGTGCTGCCAGCGGAGTCTGAGCCGGGGTGCTGGGCTCACTGCTGCTCA-3'
Protein context (NP_004073.2, residues 188-208): QTPLAAPIIP[Thr198Met]PVLTSPGAVP

ClinVar aggregate classification (germline): Uncertain significance (1 of 4 stars; one submission).

Conditions:
Amyotrophic lateral sclerosis type 1 (ALS1). Also called: AMYOTROPHIC LATERAL SCLEROSIS 1, FAMILIAL. Identifiers: Orphanet 803, MedGen C1862939, MONDO:0007103, OMIM 105400.
Neuronopathy, distal hereditary motor, type 7B. Also called: HMN VIIB; LOWER MOTOR NEURON DISEASE, DYNACTIN TYPE; NEURONOPATHY, DISTAL HEREDITARY MOTOR, AUTOSOMAL DOMINANT 14; NEURONOPATHY, DISTAL HEREDITARY MOTOR, HARDING TYPE VIIB; NEUROPATHY, DISTAL HEREDITARY MOTOR, HARDING TYPE VIIB; NEUROPATHY, DISTAL HEREDITARY MOTOR, WITH VOCAL CORD PARALYSIS, HARDING TYPE VIIB. Identifiers: Orphanet 139589, MedGen C1843315, MONDO:0011879, OMIM 607641.
Perry syndrome. Also called: PARKINSONISM WITH ALVEOLAR HYPOVENTILATION AND MENTAL DEPRESSION. Identifiers: Orphanet 178509, MedGen C1868594, MONDO:0008201, OMIM 168605.

Allele frequency attached by ClinVar (database versions not stated): TOPMed 0.00001; ExAC 0.00003.
gnomAD v4.1: 22 of 1,588,310 alleles (0.0014%); highest among the groups gnomAD compares: Middle Eastern, 0.019%; no homozygotes.

Submission:

Labcorp Genetics (formerly Invitae), Labcorp
Classification: Uncertain significance for Amyotrophic lateral sclerosis type 1; Neuronopathy, distal hereditary motor, type 7B; Perry syndrome. Last evaluated: 2024-03-29. Review status: criteria provided, single submitter. Criteria: Invitae Variant Classification Sherloc (09022015). Collection method: clinical testing. Allele origin: germline.
Comment: This sequence change replaces threonine, which is neutral and polar, with methionine, which is neutral and non-polar, at codon 198 of the DCTN1 protein (p.Thr198Met). The frequency data for this variant in the population databases is considered unreliable, as metrics indicate poor data quality at this position in the gnomAD database. This variant has not been reported in the literature in individuals affected with DCTN1-related conditions. Advanced modeling of protein sequence and biophysical properties (such as structural, functional, and spatial information, amino acid conservation, physicochemical variation, residue mobility, and thermodynamic stability) performed at Invitae indicates that this missense variant is not expected to disrupt DCTN1 protein function with a negative predictive value of 80%. In summary, the available evidence is currently insufficient to determine the role of this variant in disease. Therefore, it has been classified as a Variant of Uncertain Significance.